The following is an entry in ClinVar:

NM_032119.4(ADGRV1):c.1652T>C (p.Val551Ala)

Gene: ADGRV1 (adhesion G protein-coupled receptor V1; plus strand). Cytogenetic location: 5q14.3.
Variant type: single nucleotide variant.
Coding change: c.1652T>C on transcript NM_032119.4 (MANE Select); coding-DNA position 1652, T replaced by C.
Protein change: p.Val551Ala; replaces valine 551 with alanine.
Molecular consequence: missense variant. On other transcripts: non-coding transcript variant (1).
Genome position (GRCh38, 1-based): chr5:90,629,352, T>C. VCF-style: chr5-90629352-T-C. GRCh37 (hg19) VCF-style: chr5-89925169-T-C.
Other names: short protein forms V551A.
Identifiers: ClinVar variation 46286 (VCV000046286.24), dbSNP rs6889939, ClinGen allele CA138059.

ClinVar aggregate classification (germline): Benign. Review status: criteria provided, multiple submitters, no conflicts (2 of 4 stars). 8 submissions from 8 submitters: Benign (7). 1 of the submissions does not count toward it. Last evaluated 2026-02-01.

Conditions:
Usher syndrome type 2C. Also called: Usher syndrome, type 2B; USHER SYNDROME, TYPE IIC. Identifiers: Orphanet 231178, Orphanet 886, MedGen C2931213, MONDO:0011558, OMIM 605472.
Febrile seizures, familial, 4 (FEB4). Also called: CONVULSIONS, FAMILIAL FEBRILE, 4. Identifiers: MedGen C1858493, MONDO:0011443, OMIM 604352.

Allele frequency attached by ClinVar (database versions not stated): gnomAD exomes 0.00165 and 0.00398; ExAC 0.00468; 1000 Genomes Project 0.01538; gnomAD 0.01553 and 0.01679; 1000 Genomes Project 30x 0.01593; ESP Exome Variant Server 0.01623; TOPMed 0.01842.
gnomAD v4.1: 4,882 of 1,613,578 alleles (0.3%); highest among the groups gnomAD compares: African/African-American, 5.4%; 115 homozygotes.

Submissions (8):

Labcorp Genetics (formerly Invitae), Labcorp
Classification: Benign. Last evaluated: 2026-02-01. Review status: criteria provided, single submitter. Criteria: Invitae Variant Classification Sherloc (09022015). Collection method: clinical testing. Allele origin: germline.

Fulgent Genetics
Classification: Benign for Febrile seizures, familial, 4; Usher syndrome type 2C. Last evaluated: 2021-08-07. Review status: criteria provided, single submitter. Criteria: ACMG Guidelines, 2015. Collection method: clinical testing. Allele origin: unknown.

Athena Diagnostics
Classification: Benign. Last evaluated: 2018-01-30. Review status: criteria provided, single submitter. Criteria: Athena Diagnostics Criteria. Collection method: clinical testing. Allele origin: germline.

Illumina Laboratory Services, Illumina
Classification: Benign for Usher syndrome type 2C. Last evaluated: 2018-01-12. Review status: criteria provided, single submitter. Criteria: ICSL Variant Classification Criteria 13 December 2019. Collection method: clinical testing. Allele origin: germline.
Comment: This variant was observed in the ICSL laboratory as part of a predisposition screen in an ostensibly healthy population. It had not been previously curated by ICSL or reported in the Human Gene Mutation Database (HGMD: prior to June 1st, 2018), and was therefore a candidate for classification through an automated scoring system. Utilizing variant allele frequency, disease prevalence and penetrance estimates, and inheritance mode, an automated score was calculated to assess if this variant is too frequent to cause the disease. Based on the score and internal cut-off values, a variant classified as benign is not then subjected to further curation. The score for this variant resulted in a classification of benign for this disease.

GeneDx
Classification: Benign. Last evaluated: 2017-10-23. Review status: criteria provided, single submitter. Criteria: GeneDx Variant Classification (06012015). Collection method: clinical testing. Allele origin: germline. Affected: yes.
Comment: This variant is considered likely benign or benign based on one or more of the following criteria: it is a conservative change, it occurs at a poorly conserved position in the protein, it is predicted to be benign by multiple in silico algorithms, and/or has population frequency not consistent with disease.

Center for Pediatric Genomic Medicine, Children's Mercy Hospital and Clinics
Classification: Benign. Last evaluated: 2015-08-26. Review status: criteria provided, single submitter. Criteria: ACMG Guidelines, 2015. Collection method: clinical testing. Allele origin: germline.

Laboratory for Molecular Medicine, Mass General Brigham Personalized Medicine
Classification: Benign. Last evaluated: 2012-05-07. Review status: criteria provided, single submitter. Criteria: LMM Criteria. Collection method: clinical testing. Allele origin: germline. Observed: 19 variant alleles.
Comment: Val551Ala in Exon 09 of GPR98: This variant is not expected to have clinical sig nificance because it has been identified in 5.1% (157/3094) of African American chromosomes from a broad population by the NHLBI Exome Sequencing Project (dbSNP rs6889939).

Genetic Services Laboratory, University of Chicago
Classification: Likely benign. Review status: no assertion criteria provided. Collection method: clinical testing. Allele origin: germline. Inheritance: Autosomal dominant inheritance. Not counted in ClinVar's aggregate classification.
Comment: Likely benign based on allele frequency in 1000 Genomes Project or ESP global frequency and its presence in a patient with a rare or unrelated disease phenotype. NOT Sanger confirmed